The following is an entry in ClinVar:

ClinVar aggregate classification (germline): Pathogenic (1 of 4 stars; one submission).

Conditions:
Nemaline myopathy 2 (NEM2). Also called: Nemaline myopathy 2, autosomal recessive. Identifiers: MedGen C1850569, MONDO:0009725, OMIM 256030.

Submission:

Labcorp Genetics (formerly Invitae), Labcorp
Classification: Pathogenic for Nemaline myopathy 2. Last evaluated: 2023-10-13. Review status: criteria provided, single submitter. Criteria: Invitae Variant Classification Sherloc (09022015). Collection method: clinical testing. Allele origin: germline.
Comment: This variant is a gross deletion of the genomic region encompassing exon(s) 29 of the NEB gene. This variant would be expected to be in-frame, preserving the integrity of the reading frame. A similar copy number variant has been observed in individual(s) with clinical features of nemaline myopathy (PMID: 36233295; Invitae). Experimental studies and prediction algorithms are not available or were not evaluated, and the functional significance of this variant is currently unknown. For these reasons, this variant has been classified as Pathogenic.

Literature cited by the submitters: PubMed 36233295.

NC_000002.11:g.(?_152539156)_(152539303_?)del

Gene: NEB (nebulin; minus strand). Cytogenetic location: 2q23.3.
Variant type: Deletion.
Identifiers: ClinVar variation 1410387 (VCV001410387.4).